The following is an entry in ClinVar:

NM_032043.3(BRIP1):c.2707C>T (p.Gln903Ter)

Gene: BRIP1 (BRCA1 interacting DNA helicase 1; minus strand). Cytogenetic location: 17q23.2.
Variant type: single nucleotide variant.
Coding change: c.2707C>T on transcript NM_032043.3 (MANE Select); coding-DNA position 2707, C replaced by T.
Protein change: p.Gln903Ter; replaces glutamine 903 with a stop codon.
Molecular consequence: nonsense.
Genome position (GRCh38, 1-based): chr17:61,686,034, G>A on the plus strand (C>T on the coding strand, the complement: BRIP1 is on the minus strand). VCF-style: chr17-61686034-G-A. GRCh37 (hg19) VCF-style: chr17-59763395-G-A.
Other names: short protein forms Q903*.
Identifiers: ClinVar variation 2020169 (VCV002020169.8), dbSNP rs1603276837, ClinGen allele CA400481697.

ClinVar aggregate classification (germline): Pathogenic. Review status: criteria provided, multiple submitters, no conflicts (2 of 4 stars). 3 submissions from 3 submitters: Pathogenic (3). Last evaluated 2023-06-07.

Conditions:
Hereditary cancer-predisposing syndrome. Also called: Neoplastic Syndromes, Hereditary; Hereditary Cancer Syndrome; Tumor predisposition; Hereditary neoplastic syndrome. Identifiers: Orphanet 140162, MedGen C0027672, MeSH D009386, MONDO:0015356.
Familial cancer of breast. Also called: BREAST CANCER, FAMILIAL; hereditary breast carcinoma; Hereditary breast cancer. Identifiers: Orphanet 227535, MedGen C0346153, MONDO:0016419, OMIM 114480. Disease mechanism: loss of function.
Fanconi anemia complementation group J. Also called: BRIP1-Related Fanconi Anemia. Identifiers: Orphanet 84, MedGen C1836860, MONDO:0012187, OMIM 609054.

Submissions (3):

Myriad Genetics, Inc.
Classification: Pathogenic for Familial cancer of breast. Last evaluated: 2023-06-07. Review status: criteria provided, single submitter. Criteria: Myriad Autosomal Dominant, Autosomal Recessive and X-Linked Classification Criteria (2023). Collection method: clinical testing. Allele origin: unknown.
Comment: This variant is considered pathogenic. This variant creates a termination codon and is predicted to result in premature protein truncation.

Ambry Genetics
Classification: Pathogenic for Hereditary cancer-predisposing syndrome. Last evaluated: 2023-03-29. Review status: criteria provided, single submitter. Criteria: Ambry Variant Classification Scheme 2023. Collection method: clinical testing. Allele origin: germline.
Comment: The p.Q903* variant (also known as c.2707C>T), located in coding exon 18 of the BRIP1 gene, results from a C to T substitution at nucleotide position 2707. This changes the amino acid from a glutamine to a stop codon within coding exon 18. This variant is considered to be rare based on population cohorts in the Genome Aggregation Database (gnomAD). This alteration is expected to result in loss of function by premature protein truncation or nonsense-mediated mRNA decay. As such, this alteration is interpreted as a disease-causing mutation.

Labcorp Genetics (formerly Invitae), Labcorp
Classification: Pathogenic for Familial cancer of breast; Fanconi anemia complementation group J. Last evaluated: 2022-08-08. Review status: criteria provided, single submitter. Criteria: Invitae Variant Classification Sherloc (09022015). Collection method: clinical testing. Allele origin: germline.
Comment: For these reasons, this variant has been classified as Pathogenic. This variant has not been reported in the literature in individuals affected with BRIP1-related conditions. This variant is not present in population databases (gnomAD no frequency). This sequence change creates a premature translational stop signal (p.Gln903*) in the BRIP1 gene. It is expected to result in an absent or disrupted protein product. Loss-of-function variants in BRIP1 are known to be pathogenic (PMID: 16116423, 17033622, 21964575).

Literature cited by the submitters: PubMed 16116423 (cited by Labcorp Genetics (formerly Invitae), Labcorp); PubMed 17033622 (cited by Labcorp Genetics (formerly Invitae), Labcorp); PubMed 21964575 (cited by Labcorp Genetics (formerly Invitae), Labcorp).